The following is an entry in ClinVar:

NM_005591.4(MRE11):c.775C>T (p.Gln259Ter)

Gene: MRE11 (MRE11 double strand break repair nuclease; minus strand). Cytogenetic location: 11q21.
Variant type: single nucleotide variant.
Coding change: c.775C>T on transcript NM_005591.4 (MANE Select); coding-DNA position 775, C replaced by T.
Protein change: p.Gln259Ter; replaces glutamine 259 with a stop codon.
Molecular consequence: nonsense.
Genome position (GRCh38, 1-based): chr11:94,471,644, G>A on the plus strand (C>T on the coding strand, the complement: MRE11 is on the minus strand). VCF-style: chr11-94471644-G-A. GRCh37 (hg19) VCF-style: chr11-94204810-G-A.
Other names: c.775C>T, p.Gln259Ter (NM_001330347.2, NM_005590.4); short protein forms Q259*.
Identifiers: ClinVar variation 827245 (VCV000827245.6), dbSNP rs1060501788, ClinGen allele CA382375669.
Genomic context (GRCh38, chr11:94,471,644, plus strand): 5'-CTTCTCCTGGGGAAAGAGAAGTAACCACTGAGCTTCCAGGTTGTGAGATATAAAACAGCT[G>A]TTGTTCATTTTTGGTTGGAGCTATTTTACACTCATGTTCATGGCCCCAGATAACAAGATC-3'

ClinVar aggregate classification (germline): Pathogenic/Likely pathogenic. Review status: criteria provided, multiple submitters, no conflicts (2 of 4 stars). 2 submissions from 2 submitters: Pathogenic (1); Likely pathogenic (1). Last evaluated 2023-04-12.

Conditions:
Hereditary cancer-predisposing syndrome. Also called: Neoplastic Syndromes, Hereditary; Tumor predisposition; Hereditary neoplastic syndrome; Hereditary Cancer Syndrome. Identifiers: Orphanet 140162, MedGen C0027672, MeSH D009386, MONDO:0015356.
Ataxia-telangiectasia-like disorder 1 (ATLD1). Identifiers: Orphanet 251347, MedGen C4012790, MONDO:0024557, OMIM 604391.

Allele frequency attached by ClinVar (database versions not stated): gnomAD exomes below 0.00001; TOPMed below 0.00001.
gnomAD v4.1: 2 of 1,612,876 alleles (0.00012%); highest among the groups gnomAD compares: Non-Finnish European, 0.00017%; no homozygotes.

Submissions (2):

Ambry Genetics
Classification: Pathogenic for Hereditary cancer-predisposing syndrome. Last evaluated: 2023-04-12. Review status: criteria provided, single submitter. Criteria: Ambry Variant Classification Scheme 2023. Collection method: clinical testing. Allele origin: germline.
Comment: The p.Q259* variant (also known as c.775C>T), located in coding exon 7 of the MRE11A gene, results from a C to T substitution at nucleotide position 775. This changes the amino acid from a glutamine to a stop codon within coding exon 7. This alteration is expected to result in loss of function by premature protein truncation or nonsense-mediated mRNA decay. As such, this alteration is interpreted as a disease-causing mutation.

Baylor Genetics
Classification: Likely pathogenic for Ataxia-telangiectasia-like disorder 1. Last evaluated: 2022-02-08. Review status: criteria provided, single submitter. Criteria: ACMG Guidelines, 2015. Collection method: clinical testing. Allele origin: unknown.